The following is an entry in ClinVar:

ClinVar aggregate classification (germline): Uncertain significance. Review status: criteria provided, multiple submitters, no conflicts (2 of 4 stars). 2 submissions from 2 submitters: Uncertain significance (2). Last evaluated 2023-04-26.

Conditions:
RASopathy. Also called: rasopathies; Noonan spectrum disorder. Identifiers: Orphanet 536391, MedGen C5555857, MONDO:0021060.

Allele frequency attached by ClinVar (database versions not stated): gnomAD exomes below 0.00001.
gnomAD v4.1: 2 of 1,583,760 alleles (0.00013%); highest among the groups gnomAD compares: Non-Finnish European, 0.00017%; no homozygotes.

Submissions (2):

Labcorp Genetics (formerly Invitae), Labcorp
Classification: Uncertain significance for RASopathy. Last evaluated: 2023-04-26. Review status: criteria provided, single submitter. Criteria: Invitae Variant Classification Sherloc (09022015). Collection method: clinical testing. Allele origin: germline.
Comment: This variant is not present in population databases (gnomAD no frequency). In summary, the available evidence is currently insufficient to determine the role of this variant in disease. Therefore, it has been classified as a Variant of Uncertain Significance. Advanced modeling of protein sequence and biophysical properties (such as structural, functional, and spatial information, amino acid conservation, physicochemical variation, residue mobility, and thermodynamic stability) performed at Invitae indicates that this missense variant is not expected to disrupt CBL protein function. ClinVar contains an entry for this variant (Variation ID: 1336883). This variant has not been reported in the literature in individuals affected with CBL-related conditions. This sequence change replaces valine, which is neutral and non-polar, with methionine, which is neutral and non-polar, at codon 683 of the CBL protein (p.Val683Met).

Genetic Services Laboratory, University of Chicago
Classification: Uncertain significance. Last evaluated: 2018-10-24. Review status: criteria provided, single submitter. Criteria: ACMG Guidelines, 2015. Collection method: clinical testing. Allele origin: germline. Affected: no.

NM_005188.4(CBL):c.2047G>A (p.Val683Met)

Gene: CBL (Cbl proto-oncogene; plus strand). Cytogenetic location: 11q23.3.
Variant type: single nucleotide variant.
Coding change: c.2047G>A on transcript NM_005188.4 (MANE Select); coding-DNA position 2047, G replaced by A.
Protein change: p.Val683Met; replaces valine 683 with methionine.
Molecular consequence: missense variant.
Genome position (GRCh38, 1-based): chr11:119,296,928, G>A. VCF-style: chr11-119296928-G-A. GRCh37 (hg19) VCF-style: chr11-119167638-G-A.
Other names: short protein forms V683M.
Identifiers: ClinVar variation 1336883 (VCV001336883.7), dbSNP rs2135319783, ClinGen allele CA382926413.